The following is an entry in ClinVar:

ClinVar aggregate classification (germline): Uncertain significance (1 of 4 stars; one submission).

Submission:

Ambry Genetics
Classification: Uncertain significance. Last evaluated: 2024-09-06. Review status: criteria provided, single submitter. Criteria: Ambry Variant Classification Scheme 2023. Collection method: clinical testing. Allele origin: germline.
Comment: The p.P788R variant (also known as c.2363C>G), located in coding exon 1 of the MLH3 gene, results from a C to G substitution at nucleotide position 2363. The proline at codon 788 is replaced by arginine, an amino acid with dissimilar properties. This amino acid position is conserved. In addition, this alteration is predicted to be tolerated by in silico analysis. Based on the available evidence, the clinical significance of this variant remains unclear.

NM_001040108.2(MLH3):c.2363C>G (p.Pro788Arg)

Gene: MLH3 (mutL homolog 3; minus strand). Cytogenetic location: 14q24.3.
Variant type: single nucleotide variant.
Coding change: c.2363C>G on transcript NM_001040108.2 (MANE Select); coding-DNA position 2363, C replaced by G.
Protein change: p.Pro788Arg; replaces proline 788 with arginine.
Molecular consequence: missense variant.
Genome position (GRCh38, 1-based): chr14:75,047,293, G>C on the plus strand (C>G on the coding strand, the complement: MLH3 is on the minus strand). VCF-style: chr14-75047293-G-C. GRCh37 (hg19) VCF-style: chr14-75513996-G-C.
Other names: c.2363C>G, p.Pro788Arg (NM_014381.3); short protein forms P788R.
Identifiers: ClinVar variation 3396710 (VCV003396710.1).